The following is an entry in ClinVar:

ClinVar aggregate classification (germline): Uncertain significance (1 of 4 stars; one submission).

Conditions:
Neurodevelopmental disorder. Identifiers: MedGen C1535926, MeSH D065886, MONDO:0700092.

Submission:

Broad Center for Mendelian Genomics, Broad Institute of MIT and Harvard
Classification: Uncertain significance for Neurodevelopmental disorder. Last evaluated: 2026-03-02. Review status: criteria provided, single submitter. Criteria: ACMG Guidelines, 2015. Collection method: research. Allele origin: germline. Inheritance: Autosomal dominant inheritance.
Comment: Trio exome analysis showed this variant to be de novo. The p.Phe113SerfsTer4 variant in PPP3R1 has not been previously reported in the literature in individuals with neurodevelopmental disorders, and was absent from large population studies. This variant is predicted to cause a frameshift, which alters the protein’s amino acid sequence beginning at position 113 and leads to a premature termination codon 4 amino acids downstream. This alteration is then predicted to lead to a truncated or absent protein. It is of note that loss of function of PPP3R1 in an autosomal dominant disease has not yet been established based on the criteria laid out in Tayoun et al., 2018 (PMID: 30192042). While variants in the PPP3R1 gene have been reported in individuals with neurodevelopmental disorders, this association has not been definitively established. In summary, given the limited information about this gene-disease relationship, the significance of the p.Phe113SerfsTer4 variant is uncertain.

NM_000945.4(PPP3R1):c.336del (p.Phe113fs)

Gene: PPP3R1 (protein phosphatase 3 regulatory subunit B, alpha; minus strand). Cytogenetic location: 2p14.
Variant type: Deletion.
Coding change: c.336del on transcript NM_000945.4 (MANE Select); coding-DNA position 336, one base deleted (C; older notation c.336delC).
Protein change: p.Phe113fs; shifts the reading frame from phenylalanine 113.
Molecular consequence: frameshift variant.
Genome position (GRCh38, 1-based): chr2:68,186,597, G deleted on the plus strand (C on the coding strand, the reverse complement: PPP3R1 is on the minus strand). VCF-style (leftmost placement, unchanged base first): chr2-68186596-AG-A. GRCh37 (hg19) VCF-style: chr2-68413728-AG-A.
Other names: NM_000945.4:c.336del; short protein forms F113fs.
Identifiers: ClinVar variation 4819484 (VCV004819484.1).
Genomic context (GRCh38, chr2:68,186,596, plus strand): 5'-CAATTTGCTGTAACTGTGTATCTTTCAGATTGTTCCCCACCATCATCTTCAATACCTGGA[AG>A]AGTTCCCCATTGGAAATATAGCCATCTTTATCCATGTCATAGATACGGAAAGCAACTAAA-3'